The following is an entry in ClinVar:

NM_212482.4(FN1):c.4341A>G (p.Thr1447=)

Gene: FN1 (fibronectin 1; minus strand). Cytogenetic location: 2q35.
Variant type: single nucleotide variant.
Coding change: c.4341A>G on transcript NM_212482.4 (MANE Select); coding-DNA position 4341, A replaced by G.
Protein change: p.Thr1447=; no amino-acid change (threonine 1447 retained).
Molecular consequence: synonymous variant.
Genome position (GRCh38, 1-based): chr2:215,388,213, T>C on the plus strand (A>G on the coding strand, the complement: FN1 is on the minus strand). VCF-style: chr2-215388213-T-C. GRCh37 (hg19) VCF-style: chr2-216252936-T-C.
Other names: c.4341A>G, p.Thr1447= (NM_001306129.2, NM_001306130.2, NM_001365517.2 and 3 more transcripts); c.4068A>G, p.Thr1356= (NM_001306131.2, NM_001306132.2, NM_001365518.2 and 7 more transcripts).
Identifiers: ClinVar variation 2763815 (VCV002763815.3), dbSNP rs2469685133, ClinGen allele CA431156070.
Genomic context (GRCh38, chr2:215,388,213, plus strand): 5'-TGTTATACAGAATTGATAGGCAAAAGCTACTGGATAGTCATACTGCCAACACCACTCACC[T>C]GTTTTCTGTCTTCCTCTAAGAGGTGTGCTCTCATGTTGTTCGTAGACACTGGAGACACTC-3'
Protein context (NP_997647.2, residues 1437-1457): ESTPLRGRQK[Thr1447=]GLDSPTGIDF

ClinVar aggregate classification (germline): Uncertain significance (1 of 4 stars; one submission).

Submission:

Labcorp Genetics (formerly Invitae), Labcorp
Classification: Uncertain significance. Last evaluated: 2023-06-03. Review status: criteria provided, single submitter. Criteria: Invitae Variant Classification Sherloc (09022015). Collection method: clinical testing. Allele origin: germline.
Comment: This variant is not present in population databases (gnomAD no frequency). This variant has not been reported in the literature in individuals affected with FN1-related conditions. Algorithms developed to predict the effect of sequence changes on RNA splicing suggest that this variant is not likely to affect RNA splicing. In summary, the available evidence is currently insufficient to determine the role of this variant in disease. Therefore, it has been classified as a Variant of Uncertain Significance. This sequence change affects codon 1447 of the FN1 mRNA. It is a 'silent' change, meaning that it does not change the encoded amino acid sequence of the FN1 protein. It affects a nucleotide within the consensus splice site.